The following is an entry in ClinVar:

NC_000009.11:g.(?_139981452)_(140036619_?)dup

Genes: DPP7 (dipeptidyl peptidase 7; minus strand), GRIN1 (glutamate ionotropic receptor NMDA type subunit 1; plus strand), MAN1B1 (mannosidase alpha class 1B member 1; plus strand). Cytogenetic location: 9q34.3.
Variant type: Duplication.
Identifiers: ClinVar variation 3245245 (VCV003245245.1).

ClinVar aggregate classification (germline): Uncertain significance (1 of 4 stars; one submission).

Conditions:
Neurodevelopmental disorder with or without hyperkinetic movements and seizures, autosomal dominant. Also called: Intellectual disability, autosomal dominant 8. Identifiers: MedGen C3280282, MONDO:0013655, OMIM 614254.

Submission:

Labcorp Genetics (formerly Invitae), Labcorp
Classification: Uncertain significance for Neurodevelopmental disorder with or without hyperkinetic movements and seizures, autosomal dominant. Last evaluated: 2022-11-26. Review status: criteria provided, single submitter. Criteria: Invitae Variant Classification Sherloc (09022015). Collection method: clinical testing. Allele origin: unknown.
Comment: In summary, the available evidence is currently insufficient to determine the role of this variant in disease. Therefore, it has been classified as a Variant of Uncertain Significance. Experimental studies and prediction algorithms are not available or were not evaluated, and the functional significance of this variant is currently unknown. This variant has not been reported in the literature in individuals affected with GRIN1-related conditions. This variant results in a copy number gain of the genomic region encompassing exon(s) 1-2 of the GRIN1 gene. This region includes the initiator codon of the gene. This copy number gain extends beyond the assayed region for this gene and therefore may encompass additional genes. As the precise location of this event is unknown, it may be in tandem or it may be located elsewhere in the genome.